The following is an entry in ClinVar:

NM_153460.4(IL17RC):c.2033A>G (p.Gln678Arg)

Genes: IL17RC (interleukin 17 receptor C; plus strand), LOC129936144 (ATAC-STARR-seq lymphoblastoid silent region 14051; plus strand). Cytogenetic location: 3p25.3.
Variant type: single nucleotide variant.
Coding change: c.2033A>G on transcript NM_153460.4 (MANE Select); coding-DNA position 2033, A replaced by G.
Protein change: p.Gln678Arg; replaces glutamine 678 with arginine.
Molecular consequence: missense variant. On other transcripts: non-coding transcript variant (1).
Genome position (GRCh38, 1-based): chr3:9,933,463, A>G. VCF-style: chr3-9933463-A-G. GRCh37 (hg19) VCF-style: chr3-9975147-A-G.
Other names: c.1994A>G, p.Gln665Arg (NM_001203263.2); c.1943A>G, p.Gln648Arg (NM_001203264.2); c.1937A>G, p.Gln646Arg (NM_001203265.2); c.1955A>G, p.Gln652Arg (NM_001367278.1); c.1874A>G, p.Gln625Arg (NM_001367279.1); c.1949A>G, p.Gln650Arg (NM_001367280.1); c.1898A>G, p.Gln633Arg (NM_001410711.1); c.1988A>G, p.Gln663Arg (NM_032732.6); and 1 more; short protein forms Q652R, Q663R, Q650R, Q678R, Q749R, Q625R, Q633R, Q646R.
Identifiers: ClinVar variation 2170006 (VCV002170006.4), dbSNP rs989923979, ClinGen allele CA69999122.
Genomic context (GRCh38, chr3:9,933,463, plus strand): 5'-AACTGCCAGACTTCCTGGGGGCCCTGCAGCAGCCTCGCGCCCCGCGTTCCGGGCGGCTCC[A>G]AGAGAGAGCGGAGCAAGTGTCCCGGGCCCTTCAGCCAGCCCTGGATAGCTACTTCCATCC-3'
Protein context (NP_703190.2, residues 668-688): QPRAPRSGRL[Gln678Arg]ERAEQVSRAL

ClinVar aggregate classification (germline): Uncertain significance (1 of 4 stars; one submission).

Conditions:
Candidiasis, familial, 9 (CANDF9). Identifiers: Orphanet 1334, MedGen C4225324, MONDO:0014642, OMIM 616445.

gnomAD v4.1: 1 of 1,612,916 alleles (0.000062%); no homozygotes.

Submission:

Labcorp Genetics (formerly Invitae), Labcorp
Classification: Uncertain significance for Candidiasis, familial, 9. Last evaluated: 2022-09-27. Review status: criteria provided, single submitter. Criteria: Invitae Variant Classification Sherloc (09022015). Collection method: clinical testing. Allele origin: germline.
Comment: In summary, the available evidence is currently insufficient to determine the role of this variant in disease. Therefore, it has been classified as a Variant of Uncertain Significance. This variant has not been reported in the literature in individuals affected with IL17RC-related conditions. This sequence change replaces glutamine, which is neutral and polar, with arginine, which is basic and polar, at codon 749 of the IL17RC protein (p.Gln749Arg). This variant is not present in population databases (gnomAD no frequency). Algorithms developed to predict the effect of missense changes on protein structure and function output the following: SIFT: "Tolerated"; PolyPhen-2: "Benign"; Align-GVGD: "Class C0". The arginine amino acid residue is found in multiple mammalian species, which suggests that this missense change does not adversely affect protein function.